The following is an entry in ClinVar:

ClinVar aggregate classification (germline): Uncertain significance (1 of 4 stars; one submission).

Submission:

Ambry Genetics
Classification: Uncertain significance. Last evaluated: 2024-11-28. Review status: criteria provided, single submitter. Criteria: Ambry Variant Classification Scheme 2023. Collection method: clinical testing. Allele origin: germline.
Comment: The p.G1240E variant (also known as c.3719G>A), located in coding exon 13 of the CDK12 gene, results from a G to A substitution at nucleotide position 3719. The glycine at codon 1240 is replaced by glutamic acid, an amino acid with similar properties. This amino acid position is conserved. In addition, this alteration is predicted to be tolerated by in silico analysis. Based on the available evidence, the clinical significance of this variant remains unclear.

NM_016507.4(CDK12):c.3719G>A (p.Gly1240Glu)

Gene: CDK12 (cyclin dependent kinase 12; plus strand). Cytogenetic location: 17q12.
Variant type: single nucleotide variant.
Coding change: c.3719G>A on transcript NM_016507.4 (MANE Select); coding-DNA position 3719, G replaced by A.
Protein change: p.Gly1240Glu; replaces glycine 1240 with glutamic acid.
Molecular consequence: missense variant.
Genome position (GRCh38, 1-based): chr17:39,526,275, G>A. VCF-style: chr17-39526275-G-A. GRCh37 (hg19) VCF-style: chr17-37682528-G-A.
Other names: c.3719G>A, p.Gly1240Glu (NM_015083.4); short protein forms G1240E.
Identifiers: ClinVar variation 3489317 (VCV003489317.1).